The following is an entry in ClinVar:

ClinVar aggregate classification (germline): Likely pathogenic. Review status: reviewed by expert panel (3 of 4 stars). 3 submissions from 3 submitters: Likely pathogenic (1). 2 of the submissions do not count toward it. Last evaluated 2025-10-28.

Conditions:
Developmental and epileptic encephalopathy, 2 (DEE2). Also called: INFANTILE SPASM SYNDROME, X-LINKED 2; CDKL5 deficiency disorder. Identifiers: Orphanet 1934, Orphanet 3451, Orphanet 505652, MedGen C4750718, MONDO:0010396, OMIM 300672.
Angelman syndrome-like. Identifiers: MedGen CN128785.
CDKL5 disorder. Identifiers: MedGen CN296942, MONDO:0100039.

Submissions (3):

ClinGen Rett and Angelman-like Disorders Variant Curation Expert Panel
Classification: Likely pathogenic for CDKL5 disorder. Last evaluated: 2025-10-28. Review status: reviewed by expert panel. Criteria: ClinGen RettAS ACMG Specifications CDKL5 V5.0.0. Collection method: curation. Allele origin: germline. Inheritance: X-linked inheritance.
Comment: The p.Asp193Val variant in CDKL5 is absent from gnomAD v4.1.0 (PM2_Supporting). At least three different pathogenic missense variants have been previously identified within this codon which indicates that this residue is critical to the function of the protein (PMID: 29655203, 23583054; internal database - Invitae; internal database - GeneDx) (PM5_Strong). Computational prediction analysis tools suggests a deleterious impact; however, this information does not predict clinical significance on its own (PP3). The p.Asp193Val variant in CDKL5 has been reported in an individual with epileptic encephalopathy (PMID: 30898514) (PP4 not met). In summary, the p.Asp193Val variant in CDKL5 is classified as Likely Pathogenic for CDKL5 disorder based on the ACMG/AMP criteria (PM5_Strong, PM2_Supporting, PP3). (CDKL5 Specifications v5.0; curation approved on 10/28/2025)

Centre for Population Genomics, CPG
Classification: Uncertain significance for CDKL5 disorder. Last evaluated: 2024-12-24. Review status: criteria provided, single submitter. Criteria: McKnight et al. (Hum Mutat. 2022). Collection method: curation. Allele origin: germline. Inheritance: X-linked inheritance. Not counted in ClinVar's aggregate classification.
Comment: This variant has been collected from RettBASE and curated to current modified ACMG/AMP criteria. Based on the classification scheme defined by the ClinGen Rett/Angelman-like Expert Panel for Rett/AS-like Disorders Specifications to the ACMG/AMP Variant Interpretation Guidelines VCEP 3.0, this variant is classified as a variant of uncertain significance. At least the following criteria are met: This variant has been identified as a de novo occurrence in an individual with CDKL5 disorder without confirmation of paternity and maternity (PM6, PMID: 30898514). Computational prediction analysis tools suggests a deleterious impact (REVEL score>= 0.75) (PP3). This variant is absent from gnomAD (PM2_Supporting).

Labcorp Genetics (formerly Invitae), Labcorp
Classification: Likely pathogenic for Developmental and epileptic encephalopathy, 2; Angelman syndrome-like. Last evaluated: 2023-11-27. Review status: criteria provided, single submitter. Criteria: Invitae Variant Classification Sherloc (09022015). Collection method: clinical testing. Allele origin: germline. Not counted in ClinVar's aggregate classification.
Comment: This sequence change replaces aspartic acid, which is acidic and polar, with valine, which is neutral and non-polar, at codon 193 of the CDKL5 protein (p.Asp193Val). This variant is not present in population databases (gnomAD no frequency). This missense change has been observed in individual(s) with CDKL5-related conditions (PMID: 30898514). ClinVar contains an entry for this variant (Variation ID: 2419189). Advanced modeling of protein sequence and biophysical properties (such as structural, functional, and spatial information, amino acid conservation, physicochemical variation, residue mobility, and thermodynamic stability) performed at Invitae indicates that this missense variant is expected to disrupt CDKL5 protein function with a positive predictive value of 95%. This variant disrupts the p.Asp193 amino acid residue in CDKL5. Other variant(s) that disrupt this residue have been determined to be pathogenic (Invitae). This suggests that this residue is clinically significant, and that variants that disrupt this residue are likely to be disease-causing. In summary, the currently available evidence indicates that the variant is pathogenic, but additional data are needed to prove that conclusively. Therefore, this variant has been classified as Likely Pathogenic.

Literature cited by the submitters: PubMed 30898514 (cited by Labcorp Genetics (formerly Invitae), Labcorp).

NM_001323289.2(CDKL5):c.578A>T (p.Asp193Val)

Gene: CDKL5 (cyclin dependent kinase like 5; plus strand). Cytogenetic location: Xp22.13.
Variant type: single nucleotide variant.
Coding change: c.578A>T on transcript NM_001323289.2 (MANE Select); coding-DNA position 578, A replaced by T.
Protein change: p.Asp193Val; replaces aspartic acid 193 with valine.
Molecular consequence: missense variant.
Genome position (GRCh38, 1-based): chrX:18,587,977, A>T. VCF-style: chrX-18587977-A-T. GRCh37 (hg19) VCF-style: chrX-18606097-A-T.
Other names: NM_001323289.2(CDKL5):c.578A>T; p.Asp193Val; c.578A>T, p.Asp193Val (NM_001037343.2, NM_003159.3); short protein forms D193V.
Identifiers: ClinVar variation 2419189 (VCV002419189.9), dbSNP rs267608500, ClinGen allele CA412353107.